The following is an entry in ClinVar:

ClinVar aggregate classification (germline): Uncertain significance (1 of 4 stars; one submission).

gnomAD v4.1: 5 of 1,613,580 alleles (0.00031%); highest among the groups gnomAD compares: East Asian, 0.011%; no homozygotes.

Submission:

GeneDx
Classification: Uncertain significance. Last evaluated: 2024-12-18. Review status: criteria provided, single submitter. Criteria: GeneDx Variant Classification Process June 2021. Collection method: clinical testing. Allele origin: germline. Affected: yes.
Comment: Not observed at significant frequency in large population cohorts (gnomAD); In silico analysis indicates that this missense variant does not alter protein structure/function; Has not been previously published as pathogenic or benign to our knowledge

NM_001386298.1(CIC):c.3086G>A (p.Gly1029Asp)

Gene: CIC (capicua transcriptional repressor; plus strand). Cytogenetic location: 19q13.2.
Variant type: single nucleotide variant.
Coding change: c.3086G>A on transcript NM_001386298.1 (MANE Select); coding-DNA position 3086, G replaced by A.
Protein change: p.Gly1029Asp; replaces glycine 1029 with aspartic acid.
Molecular consequence: missense variant.
Genome position (GRCh38, 1-based): chr19:42,287,147, G>A. VCF-style: chr19-42287147-G-A. GRCh37 (hg19) VCF-style: chr19-42791299-G-A.
Other names: c.3086G>A, p.Gly1029Asp (NM_001304815.2, NM_001379480.1, NM_001379482.1); c.359G>A, p.Gly120Asp (NM_001379484.1, NM_001379485.1, NM_015125.5); short protein forms G1029D, G120D.
Identifiers: ClinVar variation 3906836 (VCV003906836.1).